The following is an entry in ClinVar:

NM_000046.5(ARSB):c.532_533inv (p.His178Cys)

Gene: ARSB (arylsulfatase B; minus strand). Cytogenetic location: 5q14.1.
Variant type: Inversion.
Coding change: c.532_533inv on transcript NM_000046.5 (MANE Select).
Protein change: p.His178Cys; replaces histidine 178 with cysteine.
Molecular consequence: missense variant.
Genome position: GRCh38 VCF-style: chr5-78964573-TG-CA. GRCh37 (hg19) VCF-style: chr5-78260396-TG-CA.
Other names: c.532_533inv, p.His178Cys (NM_198709.3); short protein forms H178C.
Identifiers: ClinVar variation 1413632 (VCV001413632.6), ClinGen allele CA2573139971.

ClinVar aggregate classification (germline): Uncertain significance (1 of 4 stars; one submission).

Conditions:
Mucopolysaccharidosis type 6 (MPS6). Also called: ARSB DEFICIENCY; ARYLSULFATASE B DEFICIENCY; N-ACETYLGALACTOSAMINE-4-SULFATASE DEFICIENCY; MPS VI; MPS 6; Maroteaux Lamy syndrome. Identifiers: Orphanet 583, MedGen C0026709, MONDO:0009661, OMIM 253200.

Submission:

Labcorp Genetics (formerly Invitae), Labcorp
Classification: Uncertain significance for Mucopolysaccharidosis type 6. Last evaluated: 2021-09-29. Review status: criteria provided, single submitter. Criteria: Invitae Variant Classification Sherloc (09022015). Collection method: clinical testing. Allele origin: germline.
Comment: This variant disrupts the p.His178Asp amino acid residue in ARSB. Other variant(s) that disrupt this residue have been determined to be pathogenic (PMID: 24243352, 25060283, 30524696). This suggests that this residue is clinically significant, and that variants that disrupt this residue are likely to be disease-causing. Algorithms developed to predict the effect of missense changes on protein structure and function are either unavailable or do not agree on the potential impact of this missense change (SIFT: "Not Available"; PolyPhen-2: "Probably Damaging"; Align-GVGD: "Not Available"). This variant has not been reported in the literature in individuals affected with ARSB-related conditions. The frequency data for this variant in the population databases is not available, as this variant may be reported as separate entries in the ExAC database. This sequence change replaces histidine with cysteine at codon 178 of the ARSB protein (p.His178Cys). The histidine residue is highly conserved and there is a large physicochemical difference between histidine and cysteine. In summary, the available evidence is currently insufficient to determine the role of this variant in disease. Therefore, it has been classified as a Variant of Uncertain Significance.

Literature cited by the submitters: PubMed 24243352; PubMed 25060283; PubMed 30524696.